The following is an entry in ClinVar:

NM_014709.4(USP34):c.1132A>T (p.Ile378Leu)

Gene: USP34 (ubiquitin specific peptidase 34; minus strand). Cytogenetic location: 2p15.
Variant type: single nucleotide variant.
Coding change: c.1132A>T on transcript NM_014709.4 (MANE Select); coding-DNA position 1132, A replaced by T.
Protein change: p.Ile378Leu; replaces isoleucine 378 with leucine.
Molecular consequence: missense variant.
Genome position (GRCh38, 1-based): chr2:61,370,524, T>A on the plus strand (A>T on the coding strand, the complement: USP34 is on the minus strand). VCF-style: chr2-61370524-T-A. GRCh37 (hg19) VCF-style: chr2-61597659-T-A.
Other names: short protein forms I378L.
Identifiers: ClinVar variation 4891449 (VCV004891449.1).

ClinVar aggregate classification (germline): Uncertain significance (1 of 4 stars; one submission).

gnomAD v4.1: 1 of 1,614,018 alleles (0.000062%); highest among the groups gnomAD compares: African/African-American, 0.0013%; no homozygotes.

Submission:

GeneDx
Classification: Uncertain significance. Last evaluated: 2024-01-04. Review status: criteria provided, single submitter. Criteria: GeneDx Variant Classification Process June 2021. Collection method: clinical testing. Allele origin: germline.
Comment: Not observed at significant frequency in large population cohorts (gnomAD); In silico analysis supports that this missense variant does not alter protein structure/function; Has not been previously published as pathogenic or benign to our knowledge; Variants in candidate genes are classified as variants of uncertain significance in accordance with ACMG guidelines (PMID: 25741868)